The following is an entry in ClinVar:

NM_002098.6(GUCA1B):c.590G>A (p.Ser197Asn)

Gene: GUCA1B (guanylate cyclase activator 1B; minus strand). Cytogenetic location: 6p21.1.
Variant type: single nucleotide variant.
Coding change: c.590G>A on transcript NM_002098.6 (MANE Select); coding-DNA position 590, G replaced by A.
Protein change: p.Ser197Asn; replaces serine 197 with asparagine.
Molecular consequence: missense variant.
Genome position (GRCh38, 1-based): chr6:42,184,828, C>T on the plus strand (G>A on the coding strand, the complement: GUCA1B is on the minus strand). VCF-style: chr6-42184828-C-T. GRCh37 (hg19) VCF-style: chr6-42152566-C-T.
Other names: short protein forms S197N.
Identifiers: ClinVar variation 1999358 (VCV001999358.4), dbSNP rs1768165102, ClinGen allele CA364112037.

ClinVar aggregate classification (germline): Uncertain significance (1 of 4 stars; one submission).

Allele frequency attached by ClinVar (database versions not stated): gnomAD exomes below 0.00001; TOPMed below 0.00001; gnomAD 0.00001.
gnomAD v4.1: 5 of 1,614,012 alleles (0.00031%); highest among the groups gnomAD compares: African/African-American, 0.0067%; no homozygotes.

Submission:

Labcorp Genetics (formerly Invitae), Labcorp
Classification: Uncertain significance. Last evaluated: 2022-08-12. Review status: criteria provided, single submitter. Criteria: Invitae Variant Classification Sherloc (09022015). Collection method: clinical testing. Allele origin: germline.
Comment: In summary, the available evidence is currently insufficient to determine the role of this variant in disease. Therefore, it has been classified as a Variant of Uncertain Significance. Algorithms developed to predict the effect of missense changes on protein structure and function (SIFT, PolyPhen-2, Align-GVGD) all suggest that this variant is likely to be tolerated. This variant has not been reported in the literature in individuals affected with GUCA1B-related conditions. This variant is not present in population databases (gnomAD no frequency). This sequence change replaces serine, which is neutral and polar, with asparagine, which is neutral and polar, at codon 197 of the GUCA1B protein (p.Ser197Asn).